The following is an entry in ClinVar:

NM_000062.3(SERPING1):c.1030-865C>T

Gene: SERPING1 (serpin family G member 1; plus strand). Cytogenetic location: 11q12.1.
Variant type: single nucleotide variant.
Coding change: c.1030-865C>T on transcript NM_000062.3 (MANE Select); 865 bases into the intron before coding-DNA position 1030, C replaced by T.
Molecular consequence: intron variant.
Genome position (GRCh38, 1-based): chr11:57,610,852, C>T. VCF-style: chr11-57610852-C-T. GRCh37 (hg19) VCF-style: chr11-57378325-C-T.
Other names: c.1030-865C>T (NM_001032295.2).
Identifiers: ClinVar variation 983234 (VCV000983234.2), dbSNP rs2511989, ClinGen allele CA15685840.
Genomic context (GRCh38, chr11:57,610,852, plus strand): 5'-CTATGACAACCAAAATGTCTCCAGACATTACCAAATGTCCACTGAGAGGCAAATTCACTC[C>T]GAGTTGACAACCCCTGTATTAAACCCAGGGGCCCTGCACTTCTTACATACTTTTGTCTGG-3'

ClinVar aggregate classification (germline): Benign (1 of 4 stars; one submission).

Conditions:
Hereditary angioedema type 1 (HAE1). Identifiers: Orphanet 100050, Orphanet 100051, Orphanet 91378, MedGen C2717906, MONDO:0015053, OMIM 106100.

Allele frequency attached by ClinVar (database versions not stated): 1000 Genomes Project 0.33387; 1000 Genomes Project 30x 0.33854; TOPMed 0.38514; gnomAD 0.38940 and 0.39267.
gnomAD v4.1: 59,005 of 152,014 alleles (39%); highest among the groups gnomAD compares: African/African-American, 42%; 11,774 homozygotes.

Submission:

CeMIA
Classification: Benign for Hereditary angioedema type 1. Review status: criteria provided, single submitter. Criteria: ACMG Guidelines, 2015. Collection method: clinical testing. Allele origin: germline. Affected: yes.
Comment: This variant is considered likely benign or benign based on one or more of the following criteria: allele frequency is >5% in Exome Sequencing Project, 1000 Genomes Project, or Exome Aggregation Consortium (BA1), allele frequency is greater than expected for disorder (BS1), it is observed in a healthy adult individual (BS2), it is predicted to be benign by multiple in silico algorithms (BP4), it is found in a case with an alternate molecular basis for the disease (BP5) and/or reputable source recently reports variant as benign (BP6).

Literature cited by the submitters: PubMed 31959500.